The following is an entry in ClinVar:

ClinVar aggregate classification (germline): not provided (0 of 4 stars; one submission).

Submission:

ITMI
No classification provided. Condition: AllHighlyPenetrant. Last evaluated: 2013-09-19. Review status: no classification provided. Collection method: reference population. Allele origin: germline.
Comment: Please see associated publication for description of ethnicities

Literature cited by the submitters: PubMed 24728327.

NM_005236.3(ERCC4):c.988G>C (p.Asp330His)

Gene: ERCC4 (ERCC excision repair 4, endonuclease catalytic subunit; plus strand). Cytogenetic location: 16p13.12.
Variant type: single nucleotide variant.
Coding change: c.988G>C on transcript NM_005236.3 (MANE Select); coding-DNA position 988, G replaced by C.
Protein change: p.Asp330His; replaces aspartic acid 330 with histidine.
Molecular consequence: missense variant.
Genome position (GRCh38, 1-based): chr16:13,932,171, G>C. VCF-style: chr16-13932171-G-C. GRCh37 (hg19) VCF-style: chr16-14026028-G-C.
Other names: short protein forms D330H.
Identifiers: ClinVar variation 134147 (VCV000134147.1), dbSNP rs587778285, ClinGen allele CA158903.